The following is an entry in ClinVar:

ClinVar aggregate classification (germline): Uncertain significance (1 of 4 stars; one submission).

Conditions:
Dihydropteridine reductase deficiency (HPABH4C). Also called: DHPR DEFICIENCY; BH4-Deficient Hyperphenylalaninemia C; Hyperphenylalaninemia due to dihydropteridine reductase deficiency; Hyperphenylalaninemia, BH-4-deficient, C; Phenylketonuria type 2; HYPERPHENYLALANINEMIA, TETRAHYDROBIOPTERIN-DEFICIENT, DUE TO DHPR DEFICIENCY. Identifiers: Orphanet 226, Orphanet 238583, MedGen C0268465, MONDO:0009862, OMIM 261630.

gnomAD v4.1: 1 of 1,610,734 alleles (0.000062%); highest among the groups gnomAD compares: Admixed American, 0.0017%; no homozygotes.

Submission:

Labcorp Genetics (formerly Invitae), Labcorp
Classification: Uncertain significance for Dihydropteridine reductase deficiency. Last evaluated: 2025-04-14. Review status: criteria provided, single submitter. Criteria: Invitae Variant Classification Sherloc (09022015). Collection method: clinical testing. Allele origin: germline.
Comment: This sequence change replaces glycine, which is neutral and non-polar, with alanine, which is neutral and non-polar, at codon 23 of the QDPR protein (p.Gly23Ala). This variant is not present in population databases (gnomAD no frequency). This variant has not been reported in the literature in individuals affected with QDPR-related conditions. ClinVar contains an entry for this variant (Variation ID: 1462577). An algorithm developed to predict the effect of missense changes on protein structure and function (PolyPhen-2) suggests that this variant is likely to be disruptive. This variant disrupts the p.Gly23 amino acid residue in QDPR. Other variant(s) that disrupt this residue have been determined to be pathogenic (PMID: 8326489, 8518287, 27246466). This suggests that this residue is clinically significant, and that variants that disrupt this residue are likely to be disease-causing. In summary, the available evidence is currently insufficient to determine the role of this variant in disease. Therefore, it has been classified as a Variant of Uncertain Significance.

Literature cited by the submitters: PubMed 8326489; PubMed 8518287; PubMed 27246466.

NM_000320.3(QDPR):c.68G>C (p.Gly23Ala)

Genes: QDPR (quinoid dihydropteridine reductase; minus strand), LOC129992304 (ATAC-STARR-seq lymphoblastoid silent region 15310; plus strand). Cytogenetic location: 4p15.32.
Variant type: single nucleotide variant.
Coding change: c.68G>C on transcript NM_000320.3 (MANE Select); coding-DNA position 68, G replaced by C.
Protein change: p.Gly23Ala; replaces glycine 23 with alanine.
Molecular consequence: missense variant. On other transcripts: non-coding transcript variant (1).
Genome position (GRCh38, 1-based): chr4:17,511,987, C>G on the plus strand (G>C on the coding strand, the complement: QDPR is on the minus strand). VCF-style: chr4-17511987-C-G. GRCh37 (hg19) VCF-style: chr4-17513610-C-G.
Other names: c.68G>C, p.Gly23Ala (NM_001306140.2); short protein forms G23A.
Identifiers: ClinVar variation 1462577 (VCV001462577.6), dbSNP rs104893863, ClinGen allele CA356454352.